The following is an entry in ClinVar:

ClinVar aggregate classification (germline): Uncertain significance (1 of 4 stars; one submission).

Submission:

Ambry Genetics
Classification: Uncertain significance. Last evaluated: 2023-07-15. Review status: criteria provided, single submitter. Criteria: Ambry Variant Classification Scheme 2023. Collection method: clinical testing. Allele origin: germline.
Comment: The p.G479D variant (also known as c.1436G>A), located in coding exon 9 of the POLQ gene, results from a G to A substitution at nucleotide position 1436. The glycine at codon 479 is replaced by aspartic acid, an amino acid with similar properties. This amino acid position is conserved. In addition, this alteration is predicted to be deleterious by in silico analysis. Since supporting evidence is limited at this time, the clinical significance of this alteration remains unclear.

NM_199420.4(POLQ):c.1436G>A (p.Gly479Asp)

Gene: POLQ (DNA polymerase theta; minus strand). Cytogenetic location: 3q13.33.
Variant type: single nucleotide variant.
Coding change: c.1436G>A on transcript NM_199420.4 (MANE Select); coding-DNA position 1436, G replaced by A.
Protein change: p.Gly479Asp; replaces glycine 479 with aspartic acid.
Molecular consequence: missense variant.
Genome position (GRCh38, 1-based): chr3:121,519,903, C>T on the plus strand (G>A on the coding strand, the complement: POLQ is on the minus strand). VCF-style: chr3-121519903-C-T. GRCh37 (hg19) VCF-style: chr3-121238750-C-T.
Other names: short protein forms G479D.
Identifiers: ClinVar variation 2625411 (VCV002625411.2), dbSNP rs921407042, ClinGen allele CA81855714.